The following is an entry in ClinVar:

NM_000059.4(BRCA2):c.9501+1dup

Gene: BRCA2 (BRCA2 DNA repair associated; plus strand). Cytogenetic location: 13q13.1.
Variant type: Duplication.
Coding change: c.9501+1dup on transcript NM_000059.4 (MANE Select); the canonical splice donor site of the intron after coding-DNA position 9501, one base duplicated (G; older notation c.9501+1dupG).
Molecular consequence: splice donor variant.
Genome position (GRCh38, 1-based): chr13:32,394,934, G duplicated; the last of 2 consecutive G bases (chr13:32,394,933-32,394,934); duplicating either gives the same sequence. VCF-style (leftmost placement, unchanged base first): chr13-32394932-A-AG. GRCh37 (hg19) VCF-style: chr13-32969069-A-AG.
Other names: c.9450+1dup (NM_001406720.1); c.9405+1dup (NM_001406719.1); c.4569+1dup (NM_001406721.1); c.3084+1dup (NM_001406722.1).
Identifiers: ClinVar variation 921440 (VCV000921440.4), dbSNP rs2073025642, ClinGen allele CA913188590.

ClinVar aggregate classification (germline): Likely pathogenic (1 of 4 stars; one submission).

Conditions:
Hereditary cancer-predisposing syndrome. Also called: Neoplastic Syndromes, Hereditary; Tumor predisposition; Hereditary Cancer Syndrome; Hereditary neoplastic syndrome. Identifiers: Orphanet 140162, MedGen C0027672, MeSH D009386, MONDO:0015356.

Submission:

Color Diagnostics, LLC DBA Color Health
Classification: Likely pathogenic for Hereditary cancer-predisposing syndrome. Last evaluated: 2022-03-09. Review status: criteria provided, single submitter. Criteria: ACMG Guidelines, 2015. Collection method: clinical testing. Allele origin: germline.
Comment: This variant causes a 1 nucleotide insertion at the +1 position of intron 25 of the BRCA2 gene. Splice site prediction tools suggest that this variant may have a significant impact on RNA splicing. Although this prediction has not been confirmed in published RNA studies, this variant is expected to result in an absent or disrupted protein product. This variant has not been reported in individuals affected with hereditary cancer in the literature. This variant has not been identified in the general population by the Genome Aggregation Database (gnomAD). Different variants affecting the same splice donor site, c.9501+1G>A and c.9501+1G>T, are known to be disease-causing (ClinVar variation ID: 52853, 267725). Loss of BRCA2 function is a known mechanism of disease. Based on the available evidence, this variant is classified as Likely Pathogenic.